The following is an entry in ClinVar:

NM_013382.7(POMT2):c.*1756C>T

Gene: POMT2 (protein O-mannosyltransferase 2; minus strand). Cytogenetic location: 14q24.3.
Variant type: single nucleotide variant.
Coding change: c.*1756C>T on transcript NM_013382.7 (MANE Select); 1756 bases downstream of the stop codon, C replaced by T.
Molecular consequence: 3 prime UTR variant.
Genome position (GRCh38, 1-based): chr14:77,275,620, G>A on the plus strand (C>T on the coding strand, the complement: POMT2 is on the minus strand). VCF-style: chr14-77275620-G-A. GRCh37 (hg19) VCF-style: chr14-77741963-G-A.
Identifiers: ClinVar variation 314517 (VCV000314517.5), dbSNP rs148688355, ClinGen allele CA10635381.

ClinVar aggregate classification (germline): Likely benign (1 of 4 stars; one submission).

Conditions:
Autosomal recessive limb-girdle muscular dystrophy type 2N. Also called: MUSCULAR DYSTROPHY-DYSTROGLYCANOPATHY, LIMB-GIRDLE, POMT2-RELATED; Muscular dystrophy-dystroglycanopathy (limb-girdle), type C, 2. Identifiers: Orphanet 206559, MedGen C3150418, MONDO:0013162, OMIM 613158.

Allele frequency attached by ClinVar (database versions not stated): 1000 Genomes Project 0.00699; gnomAD 0.00746 and 0.00815; 1000 Genomes Project 30x 0.00750; TOPMed 0.00890.

Submission:

Illumina Laboratory Services, Illumina
Classification: Likely benign for Autosomal recessive limb-girdle muscular dystrophy type 2N. Last evaluated: 2018-01-12. Review status: criteria provided, single submitter. Criteria: ICSL Variant Classification Criteria 13 December 2019. Collection method: clinical testing. Allele origin: germline.
Comment: This variant was observed in the ICSL laboratory as part of a predisposition screen in an ostensibly healthy population. It had not been previously curated by ICSL or reported in the Human Gene Mutation Database (HGMD: prior to June 1st, 2018), and was therefore a candidate for classification through an automated scoring system. Utilizing variant allele frequency, disease prevalence and penetrance estimates, and inheritance mode, an automated score was calculated to assess if this variant is too frequent to cause the disease. Based on the score and internal cut-off values, a variant classified as likely benign is not then subjected to further curation. The score for this variant resulted in a classification of likely benign for this disease.